The following is an entry in ClinVar:

ClinVar aggregate classification (germline): Uncertain significance. Review status: criteria provided, multiple submitters, no conflicts (2 of 4 stars). 3 submissions from 3 submitters: Uncertain significance (3). Last evaluated 2024-11-17.

Conditions:
Cardiovascular phenotype. Identifiers: MedGen CN230736.
Primary familial hypertrophic cardiomyopathy (HCM). Identifiers: Orphanet 99739, MedGen C0949658, MeSH D024741, MONDO:0024573. Inheritance: Various modes of inheritance.
Dilated cardiomyopathy 1AA (CMD1AA). Also called: CARDIOMYOPATHY, DILATED, 1AA, WITH OR WITHOUT LEFT VENTRICULAR NONCOMPACTION; CARDIOMYOPATHY, FAMILIAL HYPERTROPHIC, 23, WITH OR WITHOUT LEFT VENTRICULAR NONCOMPACTION; Cardiomyopathy, dilated, 1AA, with or without LVNC. Identifiers: Orphanet 154, MedGen C2677338, MONDO:0012808, OMIM 612158.

gnomAD v4.1: 4 of 1,614,092 alleles (0.00025%); highest among the groups gnomAD compares: Non-Finnish European, 0.00025%; no homozygotes.

Submissions (3):

Ambry Genetics
Classification: Uncertain significance for Cardiovascular phenotype. Last evaluated: 2024-11-17. Review status: criteria provided, single submitter. Criteria: Ambry Variant Classification Scheme 2023. Collection method: clinical testing. Allele origin: germline.
Comment: The p.Q516L variant (also known as c.1547A>T), located in coding exon 14 of the ACTN2 gene, results from an A to T substitution at nucleotide position 1547. The glutamine at codon 516 is replaced by leucine, an amino acid with dissimilar properties. This amino acid position is conserved. In addition, the in silico prediction for this alteration is inconclusive. Based on the available evidence, the clinical significance of this variant remains unclear.

Blueprint Genetics
Classification: Uncertain significance. Last evaluated: 2023-09-14. Review status: criteria provided, single submitter. Criteria: ACMG Guidelines, 2015. Collection method: clinical testing. Allele origin: germline.

Labcorp Genetics (formerly Invitae), Labcorp
Classification: Uncertain significance for Primary familial hypertrophic cardiomyopathy; Dilated cardiomyopathy 1AA. Last evaluated: 2022-05-02. Review status: criteria provided, single submitter. Criteria: Invitae Variant Classification Sherloc (09022015). Collection method: clinical testing. Allele origin: germline.
Comment: This sequence change replaces glutamine, which is neutral and polar, with leucine, which is neutral and non-polar, at codon 516 of the ACTN2 protein (p.Gln516Leu). This variant is present in population databases (no rsID available, gnomAD 0.007%). This variant has not been reported in the literature in individuals affected with ACTN2-related conditions. Algorithms developed to predict the effect of missense changes on protein structure and function are either unavailable or do not agree on the potential impact of this missense change (SIFT: "Deleterious"; PolyPhen-2: "Benign"; Align-GVGD: "Class C65"). In summary, the available evidence is currently insufficient to determine the role of this variant in disease. Therefore, it has been classified as a Variant of Uncertain Significance.

NM_001103.4(ACTN2):c.1547A>T (p.Gln516Leu)

Gene: ACTN2 (actinin alpha 2; plus strand). Cytogenetic location: 1q43.
Variant type: single nucleotide variant.
Coding change: c.1547A>T on transcript NM_001103.4 (MANE Select); coding-DNA position 1547, A replaced by T.
Protein change: p.Gln516Leu; replaces glutamine 516 with leucine.
Molecular consequence: missense variant.
Genome position (GRCh38, 1-based): chr1:236,749,155, A>T. VCF-style: chr1-236749155-A-T. GRCh37 (hg19) VCF-style: chr1-236912455-A-T.
Other names: c.1547A>T, p.Gln516Leu (NM_001278343.2); c.923A>T, p.Gln308Leu (NM_001278344.2); c.797A>T, p.Gln266Leu (NM_001412150.1); c.1547A>T (NM_001103.2); short protein forms Q308L, Q266L, Q516L.
Identifiers: ClinVar variation 2046979 (VCV002046979.3), dbSNP rs1272875116, ClinGen allele CA345384710.